The following is an entry in ClinVar:

ClinVar aggregate classification (germline): Pathogenic (1 of 4 stars; one submission).

Submission:

Labcorp Genetics (formerly Invitae), Labcorp
Classification: Pathogenic. Last evaluated: 2022-12-06. Review status: criteria provided, single submitter. Criteria: Invitae Variant Classification Sherloc (09022015). Collection method: clinical testing. Allele origin: germline.
Comment: This variant has not been reported in the literature in individuals affected with TPRN-related conditions. For these reasons, this variant has been classified as Pathogenic. This sequence change creates a premature translational stop signal (p.Gln117*) in the TPRN gene. It is expected to result in an absent or disrupted protein product. Loss-of-function variants in TPRN are known to be pathogenic (PMID: 20170898, 20170899). The frequency data for this variant in the population databases is considered unreliable, as metrics indicate insufficient coverage at this position in the gnomAD database.

Literature cited by the submitters: PubMed 20170898; PubMed 20170899.

NM_001128228.3(TPRN):c.349C>T (p.Gln117Ter)

Genes: TPRN (taperin; minus strand), LOC130003092 (ATAC-STARR-seq lymphoblastoid silent region 20589; plus strand). Cytogenetic location: 9q34.3.
Variant type: single nucleotide variant.
Coding change: c.349C>T on transcript NM_001128228.3 (MANE Select); coding-DNA position 349, C replaced by T.
Protein change: p.Gln117Ter; replaces glutamine 117 with a stop codon.
Molecular consequence: nonsense.
Genome position (GRCh38, 1-based): chr9:137,200,363, G>A on the plus strand (C>T on the coding strand, the complement: TPRN is on the minus strand). VCF-style: chr9-137200363-G-A. GRCh37 (hg19) VCF-style: chr9-140094815-G-A.
Other names: short protein forms Q117*.
Identifiers: ClinVar variation 2034254 (VCV002034254.4), dbSNP rs894541189, ClinGen allele CA375783424.